The following is an entry in ClinVar:

NM_014714.4(IFT140):c.1519T>C (p.Trp507Arg)

Genes: IFT140 (intraflagellar transport 140; minus strand), LOC105371046 (uncharacterized LOC105371046; plus strand). Cytogenetic location: 16p13.3.
Variant type: single nucleotide variant.
Coding change: c.1519T>C on transcript NM_014714.4 (MANE Select); coding-DNA position 1519, T replaced by C.
Protein change: p.Trp507Arg; replaces tryptophan 507 with arginine.
Molecular consequence: missense variant.
Genome position (GRCh38, 1-based): chr16:1,580,764, A>G on the plus strand (T>C on the coding strand, the complement: IFT140 is on the minus strand). VCF-style: chr16-1580764-A-G. GRCh37 (hg19) VCF-style: chr16-1630765-A-G.
Other names: short protein forms W507R.
Identifiers: ClinVar variation 1716423 (VCV001716423.6), dbSNP rs2034514419, ClinGen allele CA394211764.

ClinVar aggregate classification (germline): Uncertain significance (1 of 4 stars; one submission).

Conditions:
Saldino-Mainzer syndrome (SRTD9). Also called: CONORENAL SYNDROME; short-rib thoracic dysplasia 9 with or without polydactyly; Renal dysplasia, retinal pigmentary dystrophy, cerebellar ataxia and skeletal dysplasia; SHORT-RIB THORACIC DYSPLASIA 9 WITHOUT POLYDACTYLY. Identifiers: Orphanet 140969, MedGen C1849437, MONDO:0009964, OMIM 266920.

Submission:

Labcorp Genetics (formerly Invitae), Labcorp
Classification: Uncertain significance for Saldino-Mainzer syndrome. Last evaluated: 2022-11-01. Review status: criteria provided, single submitter. Criteria: Invitae Variant Classification Sherloc (09022015). Collection method: clinical testing. Allele origin: germline.
Comment: This sequence change replaces tryptophan, which is neutral and slightly polar, with arginine, which is basic and polar, at codon 507 of the IFT140 protein (p.Trp507Arg). This variant is not present in population databases (gnomAD no frequency). This variant has not been reported in the literature in individuals affected with IFT140-related conditions. Advanced modeling of protein sequence and biophysical properties (such as structural, functional, and spatial information, amino acid conservation, physicochemical variation, residue mobility, and thermodynamic stability) performed at Invitae indicates that this missense variant is not expected to disrupt IFT140 protein function. In summary, the available evidence is currently insufficient to determine the role of this variant in disease. Therefore, it has been classified as a Variant of Uncertain Significance.